The following is an entry in ClinVar:

NM_000046.5(ARSB):c.191del (p.Gly64fs)

Genes: ARSB (arylsulfatase B; minus strand), LOC129994126 (ATAC-STARR-seq lymphoblastoid silent region 16127; plus strand). Cytogenetic location: 5q14.1.
Variant type: Deletion.
Coding change: c.191del on transcript NM_000046.5 (MANE Select); coding-DNA position 191, one base deleted (G; older notation c.191delG).
Protein change: p.Gly64fs; shifts the reading frame from glycine 64.
Molecular consequence: frameshift variant.
Genome position (GRCh38, 1-based): chr5:78,985,058, C deleted on the plus strand (G on the coding strand, the reverse complement: ARSB is on the minus strand); the first of 2 consecutive C bases (chr5:78,985,058-78,985,059); deleting either gives the same sequence. VCF-style (leftmost placement, unchanged base first): chr5-78985057-GC-G. GRCh37 (hg19) VCF-style: chr5-78280880-GC-G.
Other names: c.191del, p.Gly64fs (NM_198709.3); short protein forms G64fs.
Identifiers: ClinVar variation 2585274 (VCV002585274.1), dbSNP rs2530669392, ClinGen allele CA2582341583.

ClinVar aggregate classification (germline): Likely pathogenic (1 of 4 stars; one submission).

Conditions:
Mucopolysaccharidosis type 6 (MPS6). Also called: ARSB DEFICIENCY; ARYLSULFATASE B DEFICIENCY; MPS 6; Maroteaux Lamy syndrome; MPS VI; N-ACETYLGALACTOSAMINE-4-SULFATASE DEFICIENCY. Identifiers: Orphanet 583, MedGen C0026709, MONDO:0009661, OMIM 253200.

Submission:

Neuberg Centre For Genomic Medicine, NCGM
Classification: Likely pathogenic for Mucopolysaccharidosis type 6. Review status: criteria provided, single submitter. Criteria: ACMG Guidelines, 2015. Collection method: clinical testing. Allele origin: germline. Inheritance: Autosomal recessive inheritance. Affected: yes.
Comment: The frame shift variant c.191del in ARSB (NM_000046.5) has not been reported previously as a pathogenic variant nor as a benign variant, to our knowledge. This variant (p.Gly64AlafsTer50) causes a frameshift starting with codon Glycine 64, changes this amino acid to Alanine residue, and creates a premature stop codon at position 50 of the new reading frame, denoted p.Gly64AlafsTer50. The c.191del variant is novel (not in any individuals) in gnomAD Exomes and is novel (not in any individuals) in 1000 Genomes. For these reasons, this variant has been classified as Likely Pathogenic.